The following is an entry in ClinVar:

ClinVar aggregate classification (germline): Uncertain significance (1 of 4 stars; one submission).

Allele frequency attached by ClinVar (database versions not stated): TOPMed below 0.00001; gnomAD 0.00001; gnomAD exomes 0.00001; 1000 Genomes Project 30x 0.00016; 1000 Genomes Project 0.00020.
gnomAD v4.1: 14 of 1,613,980 alleles (0.00087%); highest among the groups gnomAD compares: African/African-American, 0.0053%; no homozygotes.

Submission:

Labcorp Genetics (formerly Invitae), Labcorp
Classification: Uncertain significance. Last evaluated: 2022-07-12. Review status: criteria provided, single submitter. Criteria: Invitae Variant Classification Sherloc (09022015). Collection method: clinical testing. Allele origin: germline.
Comment: In summary, the available evidence is currently insufficient to determine the role of this variant in disease. Therefore, it has been classified as a Variant of Uncertain Significance. Algorithms developed to predict the effect of missense changes on protein structure and function (SIFT, PolyPhen-2, Align-GVGD) all suggest that this variant is likely to be tolerated. This variant has not been reported in the literature in individuals affected with OPA1-related conditions. This variant is present in population databases (rs532733755, gnomAD 0.006%). This sequence change replaces alanine, which is neutral and non-polar, with threonine, which is neutral and polar, at codon 891 of the OPA1 protein (p.Ala891Thr).

NM_130837.3(OPA1):c.2836G>A (p.Ala946Thr)

Gene: OPA1 (OPA1 mitochondrial dynamin like GTPase; plus strand). Cytogenetic location: 3q29.
Variant type: single nucleotide variant.
Coding change: c.2836G>A on transcript NM_130837.3 (MANE Select); coding-DNA position 2836, G replaced by A.
Protein change: p.Ala946Thr; replaces alanine 946 with threonine.
Molecular consequence: missense variant.
Genome position (GRCh38, 1-based): chr3:193,666,353, G>A. VCF-style: chr3-193666353-G-A. GRCh37 (hg19) VCF-style: chr3-193384142-G-A.
Other names: c.2302G>A, p.Ala768Thr (NM_001354663.2); c.2299G>A, p.Ala767Thr (NM_001354664.2); c.2671G>A, p.Ala891Thr (NM_015560.3); c.2563G>A, p.Ala855Thr (NM_130831.3); c.2617G>A, p.Ala873Thr (NM_130832.3); c.2674G>A, p.Ala892Thr (NM_130833.3); c.2725G>A, p.Ala909Thr (NM_130834.3); c.2728G>A, p.Ala910Thr (NM_130835.3); and 1 more; short protein forms A767T, A768T, A855T, A873T, A891T, A892T, A909T, A910T.
Identifiers: ClinVar variation 2415077 (VCV002415077.6), dbSNP rs532733755, ClinGen allele CA90557408.